The following is an entry in ClinVar:

NM_012199.5(AGO1):c.2081A>C (p.Lys694Thr)

Gene: AGO1 (argonaute RISC component 1; plus strand). Cytogenetic location: 1p34.3.
Variant type: single nucleotide variant.
Coding change: c.2081A>C on transcript NM_012199.5 (MANE Select); coding-DNA position 2081, A replaced by C.
Protein change: p.Lys694Thr; replaces lysine 694 with threonine.
Molecular consequence: missense variant.
Genome position (GRCh38, 1-based): chr1:35,917,645, A>C. VCF-style: chr1-35917645-A-C. GRCh37 (hg19) VCF-style: chr1-36383246-A-C.
Other names: c.2081A>C, p.Lys694Thr (NM_001317122.2); c.1856A>C, p.Lys619Thr (NM_001317123.2); short protein forms K619T, K694T.
Identifiers: ClinVar variation 3364230 (VCV003364230.1).

ClinVar aggregate classification (germline): Uncertain significance (1 of 4 stars; one submission).

gnomAD v4.1: 6 of 1,613,730 alleles (0.00037%); highest among the groups gnomAD compares: Non-Finnish European, 0.00051%; no homozygotes.

Submission:

GeneDx
Classification: Uncertain significance. Last evaluated: 2023-11-09. Review status: criteria provided, single submitter. Criteria: GeneDx Variant Classification Process June 2021. Collection method: clinical testing. Allele origin: germline. Affected: yes.
Comment: Not observed at significant frequency in large population cohorts (gnomAD); In silico analysis supports that this missense variant does not alter protein structure/function; Has not been previously published as pathogenic or benign to our knowledge